The following is an entry in ClinVar:

ClinVar aggregate classification (germline): Uncertain significance (1 of 4 stars; one submission).

Allele frequency attached by ClinVar (database versions not stated): gnomAD exomes below 0.00001; ExAC 0.00002; gnomAD 0.00003; TOPMed 0.00005.

Submission:

Labcorp Genetics (formerly Invitae), Labcorp
Classification: Uncertain significance. Last evaluated: 2025-06-12. Review status: criteria provided, single submitter. Criteria: Invitae Variant Classification Sherloc (09022015). Collection method: clinical testing. Allele origin: germline.
Comment: This sequence change replaces methionine, which is neutral and non-polar, with valine, which is neutral and non-polar, at codon 1054 of the FAT1 protein (p.Met1054Val). This variant is present in population databases (rs774911235, gnomAD 0.01%). This variant has not been reported in the literature in individuals affected with FAT1-related conditions. ClinVar contains an entry for this variant (Variation ID: 2171047). Invitae Evidence Modeling of protein sequence and biophysical properties (such as structural, functional, and spatial information, amino acid conservation, physicochemical variation, residue mobility, and thermodynamic stability) indicates that this missense variant is not expected to disrupt FAT1 protein function with a negative predictive value of 80%. In summary, the available evidence is currently insufficient to determine the role of this variant in disease. Therefore, it has been classified as a Variant of Uncertain Significance.

NM_005245.4(FAT1):c.3160A>G (p.Met1054Val)

Gene: FAT1 (FAT atypical cadherin 1; minus strand). Cytogenetic location: 4q35.2.
Variant type: single nucleotide variant.
Coding change: c.3160A>G on transcript NM_005245.4 (MANE Select); coding-DNA position 3160, A replaced by G.
Protein change: p.Met1054Val; replaces methionine 1054 with valine.
Molecular consequence: missense variant.
Genome position (GRCh38, 1-based): chr4:186,706,668, T>C on the plus strand (A>G on the coding strand, the complement: FAT1 is on the minus strand). VCF-style: chr4-186706668-T-C. GRCh37 (hg19) VCF-style: chr4-187627822-T-C.
Other names: short protein forms M1054V.
Identifiers: ClinVar variation 2171047 (VCV002171047.4), dbSNP rs774911235, ClinGen allele CA3167105.